The following is an entry in ClinVar:

NM_015909.4(NBAS):c.5765T>A (p.Ile1922Asn)

Gene: NBAS (NBAS subunit of NRZ tethering complex; minus strand). Cytogenetic location: 2p24.3.
Variant type: single nucleotide variant.
Coding change: c.5765T>A on transcript NM_015909.4 (MANE Select); coding-DNA position 5765, T replaced by A.
Protein change: p.Ile1922Asn; replaces isoleucine 1922 with asparagine.
Molecular consequence: missense variant. On other transcripts: non-coding transcript variant (1).
Genome position (GRCh38, 1-based): chr2:15,238,646, A>T on the plus strand (T>A on the coding strand, the complement: NBAS is on the minus strand). VCF-style: chr2-15238646-A-T. GRCh37 (hg19) VCF-style: chr2-15378770-A-T.
Other names: short protein forms I1922N.
Identifiers: ClinVar variation 1949152 (VCV001949152.2), dbSNP rs754580352, ClinGen allele CA1535201.

ClinVar aggregate classification (germline): Uncertain significance (1 of 4 stars; one submission).

Allele frequency attached by ClinVar (database versions not stated): gnomAD 0.00001; TOPMed 0.00001; ExAC 0.00002.
gnomAD v4.1: 7 of 1,613,256 alleles (0.00043%); highest among the groups gnomAD compares: East Asian, 0.013%; no homozygotes.

Submission:

Labcorp Genetics (formerly Invitae), Labcorp
Classification: Uncertain significance. Last evaluated: 2021-12-14. Review status: criteria provided, single submitter. Criteria: Invitae Variant Classification Sherloc (09022015). Collection method: clinical testing. Allele origin: germline.
Comment: This sequence change replaces isoleucine, which is neutral and non-polar, with asparagine, which is neutral and polar, at codon 1922 of the NBAS protein (p.Ile1922Asn). This variant is present in population databases (rs754580352, gnomAD 0.03%). This variant has not been reported in the literature in individuals affected with NBAS-related conditions. Algorithms developed to predict the effect of missense changes on protein structure and function (SIFT, PolyPhen-2, Align-GVGD) all suggest that this variant is likely to be disruptive. In summary, the available evidence is currently insufficient to determine the role of this variant in disease. Therefore, it has been classified as a Variant of Uncertain Significance.